The following is an entry in ClinVar:

NM_020408.6(LYRM4):c.31T>G (p.Ser11Ala)

Genes: FARS2 (phenylalanyl-tRNA synthetase 2, mitochondrial; plus strand), LYRM4 (LYR motif containing 4; minus strand), LOC129995672 (ATAC-STARR-seq lymphoblastoid silent region 16873; plus strand). Cytogenetic location: 6p25.1.
Variant type: single nucleotide variant.
Coding change: c.31T>G on transcript NM_020408.6 (MANE Select); coding-DNA position 31, T replaced by G.
Protein change: p.Ser11Ala; replaces serine 11 with alanine.
Molecular consequence: missense variant. On other transcripts: non-coding transcript variant (3).
Genome position (GRCh38, 1-based): chr6:5,260,703, A>C on the plus strand (T>G on the coding strand, the complement: LYRM4 is on the minus strand). VCF-style: chr6-5260703-A-C. GRCh37 (hg19) VCF-style: chr6-5260936-A-C.
Other names: c.31T>G, p.Ser11Ala (NM_001164840.3, NM_001164841.3, NM_001318782.1 and 1 more transcripts); short protein forms S11A.
Identifiers: ClinVar variation 380035 (VCV000380035.14), dbSNP rs2224391, ClinGen allele CA3623552.

ClinVar aggregate classification (germline): Benign. Review status: criteria provided, multiple submitters, no conflicts (2 of 4 stars). 4 submissions from 4 submitters: Benign (3). 1 of the submissions does not count toward it. Last evaluated 2026-02-03.

Conditions:
Combined oxidative phosphorylation deficiency 19 (COXPD19). Identifiers: Orphanet 397593, MedGen C3810055, MONDO:0014269, OMIM 615595.

Allele frequency attached by ClinVar (database versions not stated): gnomAD exomes 0.28790; ExAC 0.35772; 1000 Genomes Project 0.40296; 1000 Genomes Project 30x 0.41271; ESP Exome Variant Server 0.41426; TOPMed 0.43790.
gnomAD v4.1: 430,187 of 1,553,322 alleles (28%); highest among the groups gnomAD compares: African/African-American, 79%; 71,365 homozygotes.

Submissions (4):

Labcorp Genetics (formerly Invitae), Labcorp
Classification: Benign. Last evaluated: 2026-02-03. Review status: criteria provided, single submitter. Criteria: Invitae Variant Classification Sherloc (09022015). Collection method: clinical testing. Allele origin: germline.

Genome-Nilou Lab
Classification: Benign for Combined oxidative phosphorylation deficiency 19. Last evaluated: 2021-09-05. Review status: criteria provided, single submitter. Criteria: ACMG Guidelines, 2015. Collection method: clinical testing. Allele origin: germline. Affected: no.

GeneDx
Classification: Benign. Last evaluated: 2016-01-13. Review status: criteria provided, single submitter. Criteria: GeneDx Variant Classification (06012015). Collection method: clinical testing. Allele origin: germline. Affected: yes.
Comment: This variant is considered likely benign or benign based on one or more of the following criteria: it is a conservative change, it occurs at a poorly conserved position in the protein, it is predicted to be benign by multiple in silico algorithms, and/or has population frequency not consistent with disease.

Mayo Clinic Laboratories, Mayo Clinic
Classification: Benign. Last evaluated: 2016-02-20. Review status: no assertion criteria provided. Collection method: clinical testing. Allele origin: unknown. Not counted in ClinVar's aggregate classification.